The following is an entry in ClinVar:

ClinVar aggregate classification (germline): Conflicting classifications of pathogenicity. Review status: criteria provided, conflicting classifications (1 of 4 stars). 2 submissions from 2 submitters: Uncertain significance (1); Likely benign (1). Last evaluated 2024-06-22.

Conditions:
Inborn genetic diseases. Identifiers: MedGen C0950123, MeSH D030342.
Developmental and epileptic encephalopathy 94 (DEE94). Also called: Epileptic encephalopathy, childhood-onset; CHD2-Related Neurodevelopmental Disorders. Identifiers: Orphanet 1942, Orphanet 2382, MedGen C3809278, MONDO:0014150, OMIM 615369.

Allele frequency attached by ClinVar (database versions not stated): gnomAD exomes below 0.00001; gnomAD 0.00001.
gnomAD v4.1: 8 of 1,613,616 alleles (0.0005%); highest among the groups gnomAD compares: Non-Finnish European, 0.00042%; no homozygotes.

Submissions (2):

Labcorp Genetics (formerly Invitae), Labcorp
Classification: Likely benign for Developmental and epileptic encephalopathy 94. Last evaluated: 2024-06-22. Review status: criteria provided, single submitter. Criteria: Invitae Variant Classification Sherloc (09022015). Collection method: clinical testing. Allele origin: germline.

Ambry Genetics
Classification: Uncertain significance for Inborn genetic diseases. Last evaluated: 2016-02-09. Review status: criteria provided, single submitter. Criteria: Ambry Variant Classification Scheme 2023. Collection method: clinical testing. Allele origin: germline.
Comment: The p.T744I variant (also known as c.2231C>T), located in coding exon 17 of the CHD2 gene, results from a C to T substitution at nucleotide position 2231. The threonine at codon 744 is replaced by isoleucine, an amino acid with similar properties. This variant was not reported in population based cohorts in the following databases: Database of Single Nucleotide Polymorphisms (dbSNP), NHLBI Exome Sequencing Project (ESP), and 1000 Genomes Project. In the ESP, this variant was not observed in 6495 samples (12990 alleles) with coverage at this position. This amino acid position is highly conserved in available vertebrate species. In addition, the in silico prediction for this alteration is inconclusive. Since supporting evidence is limited at this time, the clinical significance of p.T744I remains unclear.

NM_001271.4(CHD2):c.2231C>T (p.Thr744Ile)

Gene: CHD2 (chromodomain helicase DNA binding protein 2; plus strand). Cytogenetic location: 15q26.1.
Variant type: single nucleotide variant.
Coding change: c.2231C>T on transcript NM_001271.4 (MANE Select); coding-DNA position 2231, C replaced by T.
Protein change: p.Thr744Ile; replaces threonine 744 with isoleucine.
Molecular consequence: missense variant.
Genome position (GRCh38, 1-based): chr15:92,971,806, C>T. VCF-style: chr15-92971806-C-T. GRCh37 (hg19) VCF-style: chr15-93515036-C-T.
Other names: short protein forms T744I.
Identifiers: ClinVar variation 589807 (VCV000589807.14), dbSNP rs1359060187, ClinGen allele CA393892815.